The following is an entry in ClinVar:

NM_004614.5(TK2):c.614C>T (p.Pro205Leu)

Gene: TK2 (thymidine kinase 2; minus strand). Cytogenetic location: 16q21.
Variant type: single nucleotide variant.
Coding change: c.614C>T on transcript NM_004614.5 (MANE Select); coding-DNA position 614, C replaced by T.
Protein change: p.Pro205Leu; replaces proline 205 with leucine.
Molecular consequence: missense variant. On other transcripts: non-coding transcript variant (1), intron variant (1).
Genome position (GRCh38, 1-based): chr16:66,517,140, G>A on the plus strand (C>T on the coding strand, the complement: TK2 is on the minus strand). VCF-style: chr16-66517140-G-A. GRCh37 (hg19) VCF-style: chr16-66551043-G-A.
Other names: c.521C>T, p.Pro174Leu (NM_001172643.1); c.539C>T, p.Pro180Leu (NM_001172644.2); c.560C>T, p.Pro187Leu (NM_001172645.2); c.467C>T, p.Pro156Leu (NM_001271934.2); c.323C>T, p.Pro108Leu (NM_001272050.2); c.357-3329C>T (NM_001271935.1); c.614C>T (NM_004614.4); short protein forms P156L, P174L, P108L, P187L, P180L, P205L.
Identifiers: ClinVar variation 1442595 (VCV001442595.5), dbSNP rs368846539, ClinGen allele CA8093624.

ClinVar aggregate classification (germline): Uncertain significance. Review status: criteria provided, multiple submitters, no conflicts (2 of 4 stars). 2 submissions from 2 submitters: Uncertain significance (2). Last evaluated 2025-11-02.

Conditions:
Inborn genetic diseases. Identifiers: MedGen C0950123, MeSH D030342.

Allele frequency attached by ClinVar (database versions not stated): gnomAD 0.00005 and 0.00006; ESP Exome Variant Server 0.00015; gnomAD exomes 0.00001 and 0.00002; ExAC 0.00004; TOPMed 0.00008.
gnomAD v4.1: 21 of 1,613,954 alleles (0.0013%); highest among the groups gnomAD compares: African/African-American, 0.011%; no homozygotes.

Submissions (2):

Ambry Genetics
Classification: Uncertain significance for Inborn genetic diseases. Last evaluated: 2025-11-02. Review status: criteria provided, single submitter. Criteria: Ambry Variant Classification Scheme 2023. Collection method: clinical testing. Allele origin: germline.

Labcorp Genetics (formerly Invitae), Labcorp
Classification: Uncertain significance. Last evaluated: 2022-03-19. Review status: criteria provided, single submitter. Criteria: Invitae Variant Classification Sherloc (09022015). Collection method: clinical testing. Allele origin: germline.
Comment: This sequence change replaces proline, which is neutral and non-polar, with leucine, which is neutral and non-polar, at codon 205 of the TK2 protein (p.Pro205Leu). This variant is present in population databases (rs368846539, gnomAD 0.008%). This variant has not been reported in the literature in individuals affected with TK2-related conditions. Advanced modeling of protein sequence and biophysical properties (such as structural, functional, and spatial information, amino acid conservation, physicochemical variation, residue mobility, and thermodynamic stability) performed at Invitae indicates that this missense variant is expected to disrupt TK2 protein function. In summary, the available evidence is currently insufficient to determine the role of this variant in disease. Therefore, it has been classified as a Variant of Uncertain Significance.